The following is an entry in ClinVar:

ClinVar aggregate classification (germline): Likely benign. Review status: criteria provided, multiple submitters, no conflicts (2 of 4 stars). 2 submissions from 2 submitters: Likely benign (2). Last evaluated 2026-07-01.

gnomAD v4.1: 71 of 1,613,974 alleles (0.0044%); highest among the groups gnomAD compares: Non-Finnish European, 0.0056%; no homozygotes.

Submissions (2):

CeGaT Center for Human Genetics Tuebingen
Classification: Likely benign. Last evaluated: 2026-07-01. Review status: criteria provided, single submitter. Criteria: CeGaT Center For Human Genetics Tuebingen Variant Classification Criteria Version 2. Collection method: clinical testing. Allele origin: germline. Affected: yes. Observed: 1 variant allele.
Comment: TK2: BP4, BP7

Labcorp Genetics (formerly Invitae), Labcorp
Classification: Likely benign. Last evaluated: 2025-11-24. Review status: criteria provided, single submitter. Criteria: Invitae Variant Classification Sherloc (09022015). Collection method: clinical testing. Allele origin: germline.

NM_004614.5(TK2):c.192G>C (p.Thr64=)

Gene: TK2 (thymidine kinase 2; minus strand). Cytogenetic location: 16q21.
Variant type: single nucleotide variant.
Coding change: c.192G>C on transcript NM_004614.5 (MANE Select); coding-DNA position 192, G replaced by C.
Protein change: p.Thr64=; no amino-acid change (threonine 64 retained).
Molecular consequence: synonymous variant. On other transcripts: 5 prime UTR variant (1), non-coding transcript variant (1), intron variant (1).
Genome position (GRCh38, 1-based): chr16:66,541,918, C>G on the plus strand (G>C on the coding strand, the complement: TK2 is on the minus strand). VCF-style: chr16-66541918-C-G. GRCh37 (hg19) VCF-style: chr16-66575821-C-G.
Other names: c.99G>C, p.Thr33= (NM_001172643.1, NM_001271935.1); c.192G>C, p.Thr64= (NM_001172645.2); c.45G>C, p.Thr15= (NM_001271934.2); c.-100G>C (NM_001272050.2); c.157-4901G>C (NM_001172644.2).
Identifiers: ClinVar variation 2160831 (VCV002160831.5), dbSNP rs373843440, ClinGen allele CA8093769.